The following is an entry in ClinVar:

ClinVar aggregate classification (germline): Uncertain significance. Review status: criteria provided, multiple submitters, no conflicts (2 of 4 stars). 2 submissions from 2 submitters: Uncertain significance (2). Last evaluated 2025-12-19.

Conditions:
Polycystic kidney disease, adult type (PKD1). Also called: Polycystic Kidney Disease 1, Autosomal Dominant; Polycystic kidney disease 1; Polycystic kidney disease 1, severe; Polycystic Kidney, Autosomal Dominant; POLYCYSTIC KIDNEY DISEASE 1 WITH OR WITHOUT POLYCYSTIC LIVER DISEASE; POLYCYSTIC KIDNEY DISEASE, ADULT, TYPE I. Identifiers: MedGen C3149841, MONDO:0008263, OMIM 173900.

Submissions (2):

3billion
Classification: Uncertain significance for Polycystic kidney disease, adult type. Last evaluated: 2025-12-19. Review status: criteria provided, single submitter. Criteria: ACMG Guidelines, 2015. Collection method: clinical testing. Allele origin: germline. Affected: yes.
Comment: The variant is not observed in the gnomAD v4.1.0 dataset. Predicted Consequence/Location: Intron variant In silico tools predict the variant to alter splicing and produce an abnormal transcript [SpliceAI: 0.90 (>=0.2, moderate evidence for spliceogenicity)]. The variant has been reported as of uncertain significance (ClinVar ID: VCV003383008). Therefore, this variant is classified as VUS according to the recommendation of ACMG/AMP guideline.

Juno Genomics, Hangzhou Juno Genomics, Inc
Classification: Uncertain significance for Polycystic kidney disease, adult type. Review status: criteria provided, single submitter. Criteria: ACMG Guidelines, 2015. Collection method: clinical testing. Allele origin: germline. Affected: yes.
Comment: Absent from controls (or at extremely low frequency if recessive) in Genome Aggregation Database, Exome Sequencing Project, 1000 Genomes Project, or Exome Aggregation Consortium.;Multiple lines of computational evidence support a deleterious effect on the gene or gene product (conservation, evolutionary, splicing impact, etc).;Patient's phenotype or family history is highly specific for a disease with a single genetic etiology.

NM_001009944.3(PKD1):c.7490-3C>G

Gene: PKD1 (polycystin 1, transient receptor potential channel interacting; minus strand). Cytogenetic location: 16p13.3.
Variant type: single nucleotide variant.
Coding change: c.7490-3C>G on transcript NM_001009944.3 (MANE Select); 3 bases into the intron before coding-DNA position 7490, C replaced by G.
Molecular consequence: intron variant.
Genome position (GRCh38, 1-based): chr16:2,106,307, G>C on the plus strand (C>G on the coding strand, the complement: PKD1 is on the minus strand). VCF-style: chr16-2106307-G-C. GRCh37 (hg19) VCF-style: chr16-2156308-G-C.
Other names: c.7490-3C>G (NM_000296.4).
Identifiers: ClinVar variation 3383008 (VCV003383008.3).
Genomic context (GRCh38, chr16:2,106,307, plus strand): 5'-CGCCGCAGCAGCAGGGCGTACACCAGCGGGGCGCCAGCATCCTCCGCGTCATGCCAGCCT[G>C]AGGGACGGTCCCCACGGCATCACGGGAGGGCTCCGTGACGTCACAGAGTCGGGGGATCCC-3'